The following is an entry in ClinVar:

ClinVar aggregate classification (germline): Pathogenic (1 of 4 stars; one submission).

Conditions:
Hereditary cancer-predisposing syndrome. Also called: Neoplastic Syndromes, Hereditary; Tumor predisposition; Hereditary neoplastic syndrome; Hereditary Cancer Syndrome. Identifiers: Orphanet 140162, MedGen C0027672, MeSH D009386, MONDO:0015356.

Submission:

Ambry Genetics
Classification: Pathogenic for Hereditary cancer-predisposing syndrome. Last evaluated: 2023-11-16. Review status: criteria provided, single submitter. Criteria: Ambry Variant Classification Scheme 2023. Collection method: clinical testing. Allele origin: germline.
Comment: The c.496delA pathogenic mutation, located in coding exon 6 of the BRCA1 gene, results from a deletion of one nucleotide at nucleotide position 496, causing a translational frameshift with a predicted alternate stop codon (p.R166Gfs*68). This alteration was identified in 1/403 individuals that fulfilled the criteria for Hereditary Breast and Ovarian Cancer syndrome from five Latin American countries (Oliver J et al. Front Oncol, 2019 Dec;9:1429). This variant is considered to be rare based on population cohorts in the Genome Aggregation Database (gnomAD). In addition to the clinical data presented in the literature, this alteration is expected to result in loss of function by premature protein truncation or nonsense-mediated mRNA decay. As such, this alteration is interpreted as a disease-causing mutation.

Literature cited by the submitters: PubMed 31921681.

NM_007294.4(BRCA1):c.496del (p.Arg166fs)

Gene: BRCA1 (BRCA1 DNA repair associated; minus strand). Cytogenetic location: 17q21.31.
Variant type: Deletion.
Coding change: c.496del on transcript NM_007294.4 (MANE Select); coding-DNA position 496, one base deleted (A; older notation c.496delA).
Protein change: p.Arg166fs; shifts the reading frame from arginine 166.
Molecular consequence: frameshift variant. On other transcripts: non-coding transcript variant (1).
Genome position (GRCh38, 1-based): chr17:43,099,826, T deleted on the plus strand (A on the coding strand, the reverse complement: BRCA1 is on the minus strand). VCF-style (leftmost placement, unchanged base first): chr17-43099825-CT-C. GRCh37 (hg19) VCF-style: chr17-41251842-CT-C.
Other names: c.283delA, p.Arg95Glyfs (NM_001407571.1, NM_001407853.1, NM_001407894.1 and 18 more transcripts); c.496delA, p.Arg166Glyfs (NM_001407581.1, NM_001407582.1, NM_001407583.1 and 95 more transcripts); c.493delA, p.Arg165Glyfs (NM_001407587.1, NM_001407590.1, NM_001407591.1 and 65 more transcripts); c.487delA, p.Arg163Glyfs (NM_001407646.1, NM_001407647.1, NM_001408408.1); c.418delA, p.Arg140Glyfs (NM_001407653.1, NM_001407654.1, NM_001407655.1 and 12 more transcripts); c.415delA, p.Arg139Glyfs (NM_001407659.1, NM_001407660.1, NM_001407661.1 and 6 more transcripts); c.355delA, p.Arg119Glyfs (NM_001407692.1, NM_001407694.1, NM_001407695.1 and 60 more transcripts); c.352delA, p.Arg118Glyfs (NM_001407740.1, NM_001407741.1, NM_001407742.1 and 35 more transcripts); and 6 more; short protein forms R119fs, R166fs.
Identifiers: ClinVar variation 3226170 (VCV003226170.1), dbSNP rs2552239841, ClinGen allele CA2499224601.